The following is an entry in ClinVar:

ClinVar aggregate classification (germline): Benign. Review status: criteria provided, single submitter (1 of 4 stars). 2 submissions from 2 submitters: Benign (1). 1 of the submissions does not count toward it. Last evaluated 2026-04-01.

Conditions:
DNAH10-related disorder. Also called: DNAH10-related condition.

Allele frequency attached by ClinVar (database versions not stated): 1000 Genomes Project 30x 0.00765; ESP Exome Variant Server 0.00929; ExAC 0.01262; TOPMed 0.00657; 1000 Genomes Project 0.00699; gnomAD 0.00735.

Submissions (2):

CeGaT Center for Human Genetics Tuebingen
Classification: Benign. Last evaluated: 2026-04-01. Review status: criteria provided, single submitter. Criteria: CeGaT Center For Human Genetics Tuebingen Variant Classification Criteria Version 2. Collection method: clinical testing. Allele origin: germline. Affected: yes. Observed: 7 variant alleles.
Comment: DNAH10: PP2, BS1, BS2

PreventionGenetics, part of Exact Sciences
Classification: Benign for DNAH10-related condition. Last evaluated: 2024-02-07. Review status: no assertion criteria provided. Collection method: clinical testing. Allele origin: germline. Not counted in ClinVar's aggregate classification.
Comment: This variant is classified as benign based on ACMG/AMP sequence variant interpretation guidelines (Richards et al. 2015 PMID: 25741868, with internal and published modifications).

NM_001372106.1(DNAH10):c.4906A>G (p.Met1636Val)

Gene: DNAH10 (dynein axonemal heavy chain 10; plus strand). Cytogenetic location: 12q24.31.
Variant type: single nucleotide variant.
Coding change: c.4906A>G on transcript NM_001372106.1 (MANE Select); coding-DNA position 4906, A replaced by G.
Protein change: p.Met1636Val; replaces methionine 1636 with valine.
Molecular consequence: missense variant.
Genome position (GRCh38, 1-based): chr12:123,838,459, A>G. VCF-style: chr12-123838459-A-G. GRCh37 (hg19) VCF-style: chr12-124323006-A-G.
Other names: c.4552A>G, p.Met1518Val (NM_001083900.1, NM_207437.3); short protein forms M1518V, M1636V.
Identifiers: ClinVar variation 2582910 (VCV002582910.26), dbSNP rs145483216, ClinGen allele CA6863701.
Genomic context (GRCh38, chr12:123,838,459, plus strand): 5'-AGTGTCTCCGCTCTCCCTGCTCACCCTGCTTGACGGCTGTCCTCTGTTCTGGTCCAGATC[A>G]TGGGTGAGACCTTAAAAGACCCCGTGATCAAGAGGTGCTGTGAAGCCCCAAACCGCCTCA-3'
Protein context (NP_001359035.1, residues 1626-1646): DNIDKVFKRI[Met1636Val]GETLKDPVIK